The following is an entry in ClinVar:

NM_001292034.3(TAB2):c.1528A>G (p.Thr510Ala)

Genes: TAB2 (TGF-beta activated kinase 1 (MAP3K7) binding protein 2; plus strand), LOC126859827 (BRD4-independent group 4 enhancer GRCh37_chr6:149699707-149700906; plus strand). Cytogenetic location: 6q25.1.
Variant type: single nucleotide variant.
Coding change: c.1528A>G on transcript NM_001292034.3 (MANE Select); coding-DNA position 1528, A replaced by G.
Protein change: p.Thr510Ala; replaces threonine 510 with alanine.
Molecular consequence: missense variant.
Genome position (GRCh38, 1-based): chr6:149,379,443, A>G. VCF-style: chr6-149379443-A-G. GRCh37 (hg19) VCF-style: chr6-149700579-A-G.
Other names: c.1432A>G, p.Thr478Ala (NM_001292035.3); c.1528A>G, p.Thr510Ala (NM_001369506.1, NM_015093.6); short protein forms T478A, T510A.
Identifiers: ClinVar variation 3662016 (VCV003662016.2).

ClinVar aggregate classification (germline): Uncertain significance (1 of 4 stars; one submission).

Submission:

Labcorp Genetics (formerly Invitae), Labcorp
Classification: Uncertain significance. Last evaluated: 2024-08-11. Review status: criteria provided, single submitter. Criteria: Invitae Variant Classification Sherloc (09022015). Collection method: clinical testing. Allele origin: germline.
Comment: This sequence change replaces threonine, which is neutral and polar, with alanine, which is neutral and non-polar, at codon 510 of the TAB2 protein (p.Thr510Ala). This variant is not present in population databases (gnomAD no frequency). This variant has not been reported in the literature in individuals affected with TAB2-related conditions. Advanced modeling of protein sequence and biophysical properties (such as structural, functional, and spatial information, amino acid conservation, physicochemical variation, residue mobility, and thermodynamic stability) performed at Invitae indicates that this missense variant is not expected to disrupt TAB2 protein function with a negative predictive value of 80%. In summary, the available evidence is currently insufficient to determine the role of this variant in disease. Therefore, it has been classified as a Variant of Uncertain Significance.